The following is an entry in ClinVar:

NM_000153.4(GALC):c.693G>C (p.Glu231Asp)

Gene: GALC (galactosylceramidase; minus strand). Cytogenetic location: 14q31.3.
Variant type: single nucleotide variant.
Coding change: c.693G>C on transcript NM_000153.4 (MANE Select); coding-DNA position 693, G replaced by C.
Protein change: p.Glu231Asp; replaces glutamic acid 231 with aspartic acid.
Molecular consequence: missense variant.
Genome position (GRCh38, 1-based): chr14:87,976,417, C>G on the plus strand (G>C on the coding strand, the complement: GALC is on the minus strand). VCF-style: chr14-87976417-C-G. GRCh37 (hg19) VCF-style: chr14-88442761-C-G.
Other names: c.624G>C, p.Glu208Asp (NM_001201401.2); c.615G>C, p.Glu205Asp (NM_001201402.2); short protein forms E208D, E205D, E231D.
Identifiers: ClinVar variation 2165892 (VCV002165892.2), dbSNP rs573698381, ClinGen allele CA264708332.

ClinVar aggregate classification (germline): Uncertain significance (1 of 4 stars; one submission).

Conditions:
Galactosylceramide beta-galactosidase deficiency. Also called: GALACTOCEREBROSIDASE DEFICIENCY; GALC DEFICIENCY; GLOBOID CELL LEUKOENCEPHALOPATHY; Leukodystrophy, Globoid Cell; Krabbe Disease. Identifiers: Orphanet 487, MedGen C0023521, MONDO:0009499, OMIM 245200.

Submission:

Labcorp Genetics (formerly Invitae), Labcorp
Classification: Uncertain significance for Galactosylceramide beta-galactosidase deficiency. Last evaluated: 2025-07-09. Review status: criteria provided, single submitter. Criteria: Invitae Variant Classification Sherloc (09022015). Collection method: clinical testing. Allele origin: germline.
Comment: This sequence change replaces glutamic acid, which is acidic and polar, with aspartic acid, which is acidic and polar, at codon 231 of the GALC protein (p.Glu231Asp). This variant is not present in population databases (gnomAD no frequency). This variant has not been reported in the literature in individuals affected with GALC-related conditions. ClinVar contains an entry for this variant (Variation ID: 2165892). Invitae Evidence Modeling of protein sequence and biophysical properties (such as structural, functional, and spatial information, amino acid conservation, physicochemical variation, residue mobility, and thermodynamic stability) indicates that this missense variant is not expected to disrupt GALC protein function with a negative predictive value of 95%. In summary, the available evidence is currently insufficient to determine the role of this variant in disease. Therefore, it has been classified as a Variant of Uncertain Significance.